The following is an entry in ClinVar:

ClinVar aggregate classification (germline): Uncertain significance. Review status: criteria provided, multiple submitters, no conflicts (2 of 4 stars). 2 submissions from 2 submitters: Uncertain significance (2). Last evaluated 2026-04-12.

Conditions:
Hypertrophic cardiomyopathy. Also called: HYPERTROPHIC MYOCARDIOPATHY. Identifiers: Orphanet 217569, MedGen C0007194, MeSH D002312, MONDO:0005045, HP:0001639.

Submissions (2):

GeneDx
Classification: Uncertain significance. Last evaluated: 2026-04-12. Review status: criteria provided, single submitter. Criteria: GeneDx Variant Classification Process June 2021. Collection method: clinical testing. Allele origin: germline.
Comment: Not observed at significant frequency in large population cohorts (gnomAD); In silico analysis supports that this missense variant has a deleterious effect on protein structure/function; Has not been previously published as pathogenic or benign to our knowledge

Labcorp Genetics (formerly Invitae), Labcorp
Classification: Uncertain significance for Hypertrophic cardiomyopathy. Last evaluated: 2025-06-02. Review status: criteria provided, single submitter. Criteria: Invitae Variant Classification Sherloc (09022015). Collection method: clinical testing. Allele origin: germline.
Comment: This sequence change replaces histidine, which is basic and polar, with tyrosine, which is neutral and polar, at codon 1553 of the MYH7 protein (p.His1553Tyr). This variant is not present in population databases (gnomAD no frequency). This variant has not been reported in the literature in individuals affected with MYH7-related conditions. Invitae Evidence Modeling of protein sequence and biophysical properties (such as structural, functional, and spatial information, amino acid conservation, physicochemical variation, residue mobility, and thermodynamic stability) indicates that this missense variant is expected to disrupt MYH7 protein function with a positive predictive value of 95%. In summary, the available evidence is currently insufficient to determine the role of this variant in disease. Therefore, it has been classified as a Variant of Uncertain Significance.

NM_000257.4(MYH7):c.4657C>T (p.His1553Tyr)

Genes: MHRT (myosin heavy chain associated RNA transcript; plus strand), MYH7 (myosin heavy chain 7; minus strand), LOC126861897 (BRD4-independent group 4 enhancer GRCh37_chr14:23884455-23885654; plus strand). Cytogenetic location: 14q11.2.
Variant type: single nucleotide variant.
Coding change: c.4657C>T on transcript NM_000257.4 (MANE Select); coding-DNA position 4657, C replaced by T.
Protein change: p.His1553Tyr; replaces histidine 1553 with tyrosine.
Molecular consequence: missense variant.
Genome position (GRCh38, 1-based): chr14:23,416,300, G>A on the plus strand (C>T on the coding strand, the complement: MYH7 is on the minus strand). VCF-style: chr14-23416300-G-A. GRCh37 (hg19) VCF-style: chr14-23885509-G-A.
Other names: c.4657C>T, p.His1553Tyr (NM_001407004.1); short protein forms H1553Y.
Identifiers: ClinVar variation 4702772 (VCV004702772.2).